The following is an entry in ClinVar:

ClinVar aggregate classification (germline): Uncertain significance (1 of 4 stars; one submission).

Conditions:
Menkes kinky-hair syndrome (MNK). Also called: Menkes Disease; Copper transport disease; Classic Menkes Disease. Identifiers: Orphanet 565, MedGen C0022716, MONDO:0010651, OMIM 309400.
Cutis laxa, X-linked (OHS). Also called: EDS IX; Occipital horn syndrome. Identifiers: Orphanet 198, MedGen C0268353, MONDO:0010572, OMIM 304150.
X-linked distal spinal muscular atrophy type 3. Also called: ATP7A-Related Distal Motor Neuropathy; SPINAL MUSCULAR ATROPHY, DISTAL, X-LINKED RECESSIVE; NEURONOPATHY, DISTAL HEREDITARY MOTOR, X-LINKED; NEUROPATHY, DISTAL HEREDITARY MOTOR, X-LINKED. Identifiers: Orphanet 139557, MedGen C1845359, MONDO:0010338, OMIM 300489.

Submission:

Labcorp Genetics (formerly Invitae), Labcorp
Classification: Uncertain significance for X-linked distal spinal muscular atrophy type 3; Cutis laxa, X-linked; Menkes kinky-hair syndrome. Last evaluated: 2025-10-30. Review status: criteria provided, single submitter. Criteria: Invitae Variant Classification Sherloc (09022015). Collection method: clinical testing. Allele origin: germline.
Comment: This variant, c.3145_3159del, results in the deletion of 5 amino acid(s) of the ATP7A protein (p.Ile1049_Thr1053del), but otherwise preserves the integrity of the reading frame. This variant is not present in population databases (gnomAD no frequency). This variant has not been reported in the literature in individuals affected with ATP7A-related conditions. Experimental studies and prediction algorithms are not available or were not evaluated, and the functional significance of this variant is currently unknown. In summary, the available evidence is currently insufficient to determine the role of this variant in disease. Therefore, it has been classified as a Variant of Uncertain Significance.

NM_000052.7(ATP7A):c.3145_3159del (p.Ile1049_Thr1053del)

Gene: ATP7A (ATPase copper transporting alpha; plus strand). Cytogenetic location: Xq21.1.
Variant type: Deletion.
Coding change: c.3145_3159del on transcript NM_000052.7 (MANE Select); coding-DNA positions 3145 to 3159, 15 bases deleted (ATTACTCACGGAACC).
Protein change: p.Ile1049_Thr1053del.
Molecular consequence: non-coding transcript variant (on NR_104109.2).
Genome position (GRCh38, 1-based): chrX:78,031,433-78,031,447, ATTACTCACGGAACC deleted; deleting any 15 consecutive bases within chrX:78,031,427-78,031,447 gives the same sequence; the c. name uses the placement nearest the transcript's 3' end. VCF-style (leftmost placement, unchanged base first): chrX-78031426-TGGAACCATTACTCAC-T. GRCh37 (hg19) VCF-style: chrX-77286924-TGGAACCATTACTCAC-T.
Other names: c.2911_2925del, p.Ile971_Thr975del (NM_001282224.2).
Identifiers: ClinVar variation 4786534 (VCV004786534.1).